The following is an entry in ClinVar:

NM_005589.4(ALDH6A1):c.186+6C>T

Genes: ALDH6A1 (aldehyde dehydrogenase 6 family member A1; minus strand), BBOF1 (basal body orientation factor 1; plus strand). Cytogenetic location: 14q24.3.
Variant type: single nucleotide variant.
Coding change: c.186+6C>T on transcript NM_005589.4 (MANE Select); 6 bases into the intron after coding-DNA position 186, C replaced by T.
Molecular consequence: intron variant.
Genome position (GRCh38, 1-based): chr14:74,072,531, G>A on the plus strand (C>T on the coding strand, the complement: ALDH6A1 is on the minus strand). VCF-style: chr14-74072531-G-A. GRCh37 (hg19) VCF-style: chr14-74539234-G-A.
Other names: c.186+6C>T (NM_001278593.2); c.-440+6C>T (NM_001278594.2).
Identifiers: ClinVar variation 314183 (VCV000314183.7), dbSNP rs188543079, ClinGen allele CA7265916.

ClinVar aggregate classification (germline): Uncertain significance. Review status: criteria provided, multiple submitters, no conflicts (2 of 4 stars). 2 submissions from 2 submitters: Uncertain significance (2). Last evaluated 2024-05-27.

Conditions:
Methylmalonate semialdehyde dehydrogenase deficiency (MMSDHD). Also called: MMSDH DEFICIENCY. Identifiers: Orphanet 289307, MedGen C3279840, MONDO:0013579, OMIM 614105.

Allele frequency attached by ClinVar (database versions not stated): gnomAD 0.00009 and 0.00013; TOPMed 0.00009; gnomAD exomes 0.00014; 1000 Genomes Project 30x 0.00016; ExAC 0.00016; 1000 Genomes Project 0.00020.
gnomAD v4.1: 357 of 1,614,024 alleles (0.022%); highest among the groups gnomAD compares: East Asian, 0.73%; 1 homozygote.

Submissions (2):

Labcorp Genetics (formerly Invitae), Labcorp
Classification: Uncertain significance. Last evaluated: 2024-05-27. Review status: criteria provided, single submitter. Criteria: Invitae Variant Classification Sherloc (09022015). Collection method: clinical testing. Allele origin: germline.
Comment: This sequence change falls in intron 3 of the ALDH6A1 gene. It does not directly change the encoded amino acid sequence of the ALDH6A1 protein. It affects a nucleotide within the consensus splice site. This variant is present in population databases (rs188543079, gnomAD 0.2%). This variant has not been reported in the literature in individuals affected with ALDH6A1-related conditions. ClinVar contains an entry for this variant (Variation ID: 314183). Variants that disrupt the consensus splice site are a relatively common cause of aberrant splicing (PMID: 17576681, 9536098). Algorithms developed to predict the effect of sequence changes on RNA splicing suggest that this variant is not likely to affect RNA splicing. In summary, the available evidence is currently insufficient to determine the role of this variant in disease. Therefore, it has been classified as a Variant of Uncertain Significance.

Illumina Laboratory Services, Illumina
Classification: Uncertain significance for Methylmalonate semialdehyde dehydrogenase deficiency. Last evaluated: 2018-01-13. Review status: criteria provided, single submitter. Criteria: ICSL Variant Classification Criteria 13 December 2019. Collection method: clinical testing. Allele origin: germline.

Literature cited by the submitters: PubMed 17576681 (cited by Labcorp Genetics (formerly Invitae), Labcorp); PubMed 9536098 (cited by Labcorp Genetics (formerly Invitae), Labcorp).